The following is an entry in ClinVar:

ClinVar aggregate classification (germline): Likely benign. Review status: criteria provided, multiple submitters, no conflicts (2 of 4 stars). 3 submissions from 3 submitters: Likely benign (2). 1 of the submissions does not count toward it. Last evaluated 2025-10-01.

Conditions:
PRR12-related disorder. Also called: PRR12-related condition.

Allele frequency attached by ClinVar (database versions not stated): gnomAD 0.00192; TOPMed 0.00220; 1000 Genomes Project 30x 0.00234; 1000 Genomes Project 0.00240; gnomAD exomes 0.00017; ExAC 0.00064; ESP Exome Variant Server 0.00149.
gnomAD v4.1: 553 of 1,595,032 alleles (0.035%); highest among the groups gnomAD compares: African/African-American, 0.65%; 1 homozygote.

Submissions (3):

CeGaT Center for Human Genetics Tuebingen
Classification: Likely benign. Last evaluated: 2025-10-01. Review status: criteria provided, single submitter. Criteria: CeGaT Center For Human Genetics Tuebingen Variant Classification Criteria Version 2. Collection method: clinical testing. Allele origin: germline. Affected: yes. Observed: 1 variant allele.
Comment: PRR12: BP4, BP7, BS1

Blueprint Genetics
Classification: Likely benign. Last evaluated: 2024-11-11. Review status: criteria provided, single submitter. Criteria: ACMG Guidelines, 2015. Collection method: clinical testing. Allele origin: germline.

PreventionGenetics, part of Exact Sciences
Classification: Likely benign for PRR12-related condition. Last evaluated: 2024-01-22. Review status: no assertion criteria provided. Collection method: clinical testing. Allele origin: germline. Not counted in ClinVar's aggregate classification.
Comment: This variant is classified as likely benign based on ACMG/AMP sequence variant interpretation guidelines (Richards et al. 2015 PMID: 25741868, with internal and published modifications).

NM_020719.3(PRR12):c.5148G>A (p.Glu1716=)

Gene: PRR12 (proline rich 12; plus strand). Cytogenetic location: 19q13.33.
Variant type: single nucleotide variant.
Coding change: c.5148G>A on transcript NM_020719.3 (MANE Select); coding-DNA position 5148, G replaced by A.
Protein change: p.Glu1716=; no amino-acid change (glutamic acid 1716 retained).
Molecular consequence: synonymous variant.
Genome position (GRCh38, 1-based): chr19:49,615,870, G>A. VCF-style: chr19-49615870-G-A. GRCh37 (hg19) VCF-style: chr19-50119127-G-A.
Identifiers: ClinVar variation 3052560 (VCV003052560.9), dbSNP rs142396121, ClinGen allele CA9578632.